The following is an entry in ClinVar:

NM_005228.5(EGFR):c.2475G>T (p.Met825Ile)

Gene: EGFR (epidermal growth factor receptor; plus strand). Cytogenetic location: 7p11.2.
Variant type: single nucleotide variant.
Coding change: c.2475G>T on transcript NM_005228.5 (MANE Select); coding-DNA position 2475, G replaced by T.
Protein change: p.Met825Ile; replaces methionine 825 with isoleucine.
Molecular consequence: missense variant.
Genome position (GRCh38, 1-based): chr7:55,191,724, G>T. VCF-style: chr7-55191724-G-T. GRCh37 (hg19) VCF-style: chr7-55259417-G-T.
Other names: c.2340G>T, p.Met780Ile (NM_001346897.2, NM_001346899.2); c.2475G>T, p.Met825Ile (NM_001346898.2); c.2316G>T, p.Met772Ile (NM_001346900.2); c.1674G>T, p.Met558Ile (NM_001346941.2); c.2475G>T (NM_005228.3); short protein forms M558I, M772I, M780I, M825I.
Identifiers: ClinVar variation 1434678 (VCV001434678.7), dbSNP rs1474170437, ClinGen allele CA367580073.

ClinVar aggregate classification (germline): Uncertain significance. Review status: criteria provided, multiple submitters, no conflicts (2 of 4 stars). 2 submissions from 2 submitters: Uncertain significance (2). Last evaluated 2025-09-12.

Conditions:
Hereditary cancer-predisposing syndrome. Also called: Hereditary Cancer Syndrome; Hereditary neoplastic syndrome; Neoplastic Syndromes, Hereditary; Tumor predisposition. Identifiers: Orphanet 140162, MedGen C0027672, MeSH D009386, MONDO:0015356.
EGFR-related lung cancer (EGFR). Identifiers: MedGen CN130014.

Allele frequency attached by ClinVar (database versions not stated): TOPMed below 0.00001; gnomAD 0.00001.
gnomAD v4.1: 5 of 1,613,738 alleles (0.00031%); highest among the groups gnomAD compares: South Asian, 0.0011%; no homozygotes.

Submissions (2):

Labcorp Genetics (formerly Invitae), Labcorp
Classification: Uncertain significance for EGFR-related lung cancer. Last evaluated: 2025-09-12. Review status: criteria provided, single submitter. Criteria: Invitae Variant Classification Sherloc (09022015). Collection method: clinical testing. Allele origin: germline.
Comment: This sequence change replaces methionine, which is neutral and non-polar, with isoleucine, which is neutral and non-polar, at codon 825 of the EGFR protein (p.Met825Ile). This variant is not present in population databases (gnomAD no frequency). This variant has not been reported in the literature in individuals affected with EGFR-related conditions. ClinVar contains an entry for this variant (Variation ID: 1434678). Invitae Evidence Modeling of protein sequence and biophysical properties (such as structural, functional, and spatial information, amino acid conservation, physicochemical variation, residue mobility, and thermodynamic stability) indicates that this missense variant is expected to disrupt EGFR protein function with a positive predictive value of 80%. In summary, the available evidence is currently insufficient to determine the role of this variant in disease. Therefore, it has been classified as a Variant of Uncertain Significance.

Ambry Genetics
Classification: Uncertain significance for Hereditary cancer-predisposing syndrome. Last evaluated: 2025-01-09. Review status: criteria provided, single submitter. Criteria: Ambry Variant Classification Scheme 2023. Collection method: clinical testing. Allele origin: germline.
Comment: The p.M825I variant (also known as c.2475G>T), located in coding exon 21 of the EGFR gene, results from a G to T substitution at nucleotide position 2475. The methionine at codon 825 is replaced by isoleucine, an amino acid with highly similar properties. This amino acid position is highly conserved in available vertebrate species. In addition, this alteration is predicted to be deleterious by in silico analysis. Based on the available evidence, the clinical significance of this variant remains unclear.